The following is an entry in ClinVar:

NM_018685.5(ANLN):c.1171C>T (p.Arg391Cys)

Gene: ANLN (anillin, actin binding protein; plus strand). Cytogenetic location: 7p14.2.
Variant type: single nucleotide variant.
Coding change: c.1171C>T on transcript NM_018685.5 (MANE Select); coding-DNA position 1171, C replaced by T.
Protein change: p.Arg391Cys; replaces arginine 391 with cysteine.
Molecular consequence: missense variant.
Genome position (GRCh38, 1-based): chr7:36,410,588, C>T. VCF-style: chr7-36410588-C-T. GRCh37 (hg19) VCF-style: chr7-36450197-C-T.
Other names: c.1171C>T, p.Arg391Cys (NM_001284301.3, NM_001284302.3); short protein forms R391C.
Identifiers: ClinVar variation 960990 (VCV000960990.11), dbSNP rs562511350, ClinGen allele CA4219523.

ClinVar aggregate classification (germline): Uncertain significance. Review status: criteria provided, multiple submitters, no conflicts (2 of 4 stars). 2 submissions from 2 submitters: Uncertain significance (2). Last evaluated 2024-04-25.

Conditions:
Focal segmental glomerulosclerosis 8 (FSGS8). Identifiers: Orphanet 656, MedGen C4014993, MONDO:0014462, OMIM 616032.

Allele frequency attached by ClinVar (database versions not stated): gnomAD exomes 0.00001 and 0.00003; TOPMed 0.00001; ExAC 0.00002; gnomAD 0.00004; 1000 Genomes Project 30x 0.00016; 1000 Genomes Project 0.00020.
gnomAD v4.1: 46 of 1,614,024 alleles (0.0029%); highest among the groups gnomAD compares: East Asian, 0.029%; no homozygotes.

Submissions (2):

Labcorp Genetics (formerly Invitae), Labcorp
Classification: Uncertain significance. Last evaluated: 2024-04-25. Review status: criteria provided, single submitter. Criteria: Invitae Variant Classification Sherloc (09022015). Collection method: clinical testing. Allele origin: germline.
Comment: This sequence change replaces arginine, which is basic and polar, with cysteine, which is neutral and slightly polar, at codon 391 of the ANLN protein (p.Arg391Cys). The frequency data for this variant in the population databases is considered unreliable, as metrics indicate poor data quality at this position in the gnomAD database. This variant has not been reported in the literature in individuals affected with ANLN-related conditions. ClinVar contains an entry for this variant (Variation ID: 960990). Advanced modeling of protein sequence and biophysical properties (such as structural, functional, and spatial information, amino acid conservation, physicochemical variation, residue mobility, and thermodynamic stability) performed at Invitae indicates that this missense variant is not expected to disrupt ANLN protein function with a negative predictive value of 80%. In summary, the available evidence is currently insufficient to determine the role of this variant in disease. Therefore, it has been classified as a Variant of Uncertain Significance.

Fulgent Genetics
Classification: Uncertain significance for Focal segmental glomerulosclerosis 8. Last evaluated: 2022-02-02. Review status: criteria provided, single submitter. Criteria: ACMG Guidelines, 2015. Collection method: clinical testing. Allele origin: unknown.